The following is an entry in ClinVar:

ClinVar aggregate classification (germline): Pathogenic. Review status: criteria provided, multiple submitters, no conflicts (2 of 4 stars). 2 submissions from 2 submitters: Pathogenic (2). Last evaluated 2026-07-22.

Submissions (2):

GeneDx
Classification: Pathogenic. Last evaluated: 2026-07-22. Review status: criteria provided, single submitter. Criteria: GeneDx Variant Classification Process June 2021. Collection method: clinical testing. Allele origin: germline.
Comment: Published functional studies demonstrate the variant is associated with aberrant genome-wide methylation patterning, however, the physiological consequence of this finding is unknown (PMID: 36421837); In silico analysis supports that this missense variant has a deleterious effect on protein structure/function; Not observed at significant frequency in large population cohorts (gnomAD); This variant is associated with the following publications: (PMID: 36421837)

Labcorp Genetics (formerly Invitae), Labcorp
Classification: Pathogenic. Last evaluated: 2024-02-02. Review status: criteria provided, single submitter. Criteria: Invitae Variant Classification Sherloc (09022015). Collection method: clinical testing. Allele origin: germline.
Comment: This sequence change replaces phenylalanine, which is neutral and non-polar, with serine, which is neutral and polar, at codon 2043 of the NSD1 protein (p.Phe2043Ser). This variant is not present in population databases (gnomAD no frequency). This missense change has been observed in individual(s) with clinical features of Sotos syndrome (PMID: 36421837; Invitae). In at least one individual the variant was observed to be de novo. ClinVar contains an entry for this variant (Variation ID: 1427244). Advanced modeling of protein sequence and biophysical properties (such as structural, functional, and spatial information, amino acid conservation, physicochemical variation, residue mobility, and thermodynamic stability) performed at Invitae indicates that this missense variant is expected to disrupt NSD1 protein function with a positive predictive value of 95%. For these reasons, this variant has been classified as Pathogenic.

Literature cited by the submitters: PubMed 36421837 (cited by Labcorp Genetics (formerly Invitae), Labcorp).

NM_022455.5(NSD1):c.6128T>C (p.Phe2043Ser)

Gene: NSD1 (nuclear receptor binding SET domain protein 1; plus strand). Cytogenetic location: 5q35.3.
Variant type: single nucleotide variant.
Coding change: c.6128T>C on transcript NM_022455.5 (MANE Select); coding-DNA position 6128, T replaced by C.
Protein change: p.Phe2043Ser; replaces phenylalanine 2043 with serine.
Molecular consequence: missense variant.
Genome position (GRCh38, 1-based): chr5:177,283,905, T>C. VCF-style: chr5-177283905-T-C. GRCh37 (hg19) VCF-style: chr5-176710906-T-C.
Other names: c.5255T>C, p.Phe1752Ser (NM_001365684.2, NM_001409308.1, NM_172349.5); c.6128T>C, p.Phe2043Ser (NM_001409301.1, NM_001409302.1, NM_001409303.1); c.5708T>C, p.Phe1903Ser (NM_001409304.1); c.5375T>C, p.Phe1792Ser (NM_001409305.1); c.5366T>C, p.Phe1789Ser (NM_001409306.1, NM_001409307.1); short protein forms F1774S, F2043S, F1789S, F1792S, F1752S, F1903S.
Identifiers: ClinVar variation 1427244 (VCV001427244.10), dbSNP rs2127263182, ClinGen allele CA362316698.